The following is an entry in ClinVar:

ClinVar aggregate classification (germline): Uncertain significance (1 of 4 stars; one submission).

Conditions:
Autoimmune lymphoproliferative syndrome, type III caused by mutation in PRKCD. Identifiers: Orphanet 3261, Orphanet 664711, MedGen C3809928, MONDO:8000024, OMIM 615559.

Submission:

Labcorp Genetics (formerly Invitae), Labcorp
Classification: Uncertain significance for Autoimmune lymphoproliferative syndrome, type III caused by mutation in PRKCD. Last evaluated: 2021-07-12. Review status: criteria provided, single submitter. Criteria: Invitae Variant Classification Sherloc (09022015). Collection method: clinical testing. Allele origin: germline.
Comment: Algorithms developed to predict the effect of missense changes on protein structure and function (SIFT, PolyPhen-2, Align-GVGD) all suggest that this variant is likely to be tolerated. In summary, the available evidence is currently insufficient to determine the role of this variant in disease. Therefore, it has been classified as a Variant of Uncertain Significance. This variant has not been reported in the literature in individuals affected with PRKCD-related conditions. This sequence change replaces glutamic acid with aspartic acid at codon 574 of the PRKCD protein (p.Glu574Asp). The glutamic acid residue is highly conserved and there is a small physicochemical difference between glutamic acid and aspartic acid. This variant is not present in population databases (ExAC no frequency).

NM_006254.4(PRKCD):c.1722G>T (p.Glu574Asp)

Gene: PRKCD (protein kinase C delta; plus strand). Cytogenetic location: 3p21.1.
Variant type: single nucleotide variant.
Coding change: c.1722G>T on transcript NM_006254.4 (MANE Select); coding-DNA position 1722, G replaced by T.
Protein change: p.Glu574Asp; replaces glutamic acid 574 with aspartic acid.
Molecular consequence: missense variant.
Genome position (GRCh38, 1-based): chr3:53,189,225, G>T. VCF-style: chr3-53189225-G-T. GRCh37 (hg19) VCF-style: chr3-53223241-G-T.
Other names: c.1722G>T, p.Glu574Asp (NM_001316327.2, NM_001354679.2, NM_001354680.2 and 1 more transcripts); c.1779G>T, p.Glu593Asp (NM_001354676.2); c.1770G>T, p.Glu590Asp (NM_001354678.2); short protein forms E590D, E593D, E574D.
Identifiers: ClinVar variation 1504664 (VCV001504664.8), dbSNP rs2107286422, ClinGen allele CA353224171.